The following is an entry in ClinVar:

NM_014639.4(SKIC3):c.3183A>T (p.Leu1061Phe)

Gene: SKIC3 (SKI3 subunit of superkiller complex; minus strand). Cytogenetic location: 5q15.
Variant type: single nucleotide variant.
Coding change: c.3183A>T on transcript NM_014639.4 (MANE Select); coding-DNA position 3183, A replaced by T.
Protein change: p.Leu1061Phe; replaces leucine 1061 with phenylalanine.
Molecular consequence: missense variant.
Genome position (GRCh38, 1-based): chr5:95,503,848, T>A on the plus strand (A>T on the coding strand, the complement: SKIC3 is on the minus strand). VCF-style: chr5-95503848-T-A. GRCh37 (hg19) VCF-style: chr5-94839552-T-A.
Other names: c.3183A>T (NM_014639.3); short protein forms L1061F.
Identifiers: ClinVar variation 1389088 (VCV001389088.3), dbSNP rs2112288138, ClinGen allele CA360452835.

ClinVar aggregate classification (germline): Uncertain significance. Review status: criteria provided, multiple submitters, no conflicts (2 of 4 stars). 2 submissions from 2 submitters: Uncertain significance (2). Last evaluated 2022-09-01.

Conditions:
SKIC3-related disorder. Also called: SKIC3-related condition.

Allele frequency attached by ClinVar (database versions not stated): gnomAD exomes below 0.00001.
gnomAD v4.1: 1 of 1,613,952 alleles (0.000062%); highest among the groups gnomAD compares: Admixed American, 0.0017%; no homozygotes.

Submissions (2):

Labcorp Genetics (formerly Invitae), Labcorp
Classification: Uncertain significance. Last evaluated: 2022-09-01. Review status: criteria provided, single submitter. Criteria: Invitae Variant Classification Sherloc (09022015). Collection method: clinical testing. Allele origin: germline.
Comment: This sequence change replaces leucine, which is neutral and non-polar, with phenylalanine, which is neutral and non-polar, at codon 1061 of the TTC37 protein (p.Leu1061Phe). This variant is not present in population databases (gnomAD no frequency). This variant has not been reported in the literature in individuals affected with TTC37-related conditions. ClinVar contains an entry for this variant (Variation ID: 1389088). Algorithms developed to predict the effect of missense changes on protein structure and function (SIFT, PolyPhen-2, Align-GVGD) all suggest that this variant is likely to be tolerated. In summary, the available evidence is currently insufficient to determine the role of this variant in disease. Therefore, it has been classified as a Variant of Uncertain Significance.

PreventionGenetics, part of Exact Sciences
Classification: Uncertain significance for SKIC3-related condition. Last evaluated: 2022-08-25. Review status: criteria provided, single submitter. Criteria: ACMG Guidelines, 2015. Collection method: clinical testing. Allele origin: germline.
Comment: The SKIC3 c.3183A>T variant is predicted to result in the amino acid substitution p.Leu1061Phe. To our knowledge, this variant has not been reported in the literature or in a large population database, indicating this variant is rare. At this time, the clinical significance of this variant is uncertain due to the absence of conclusive functional and genetic evidence.